The following is an entry in ClinVar:

NM_001198800.3(ASCC1):c.980G>T (p.Gly327Val)

Gene: ASCC1 (activating signal cointegrator 1 complex subunit 1; minus strand). Cytogenetic location: 10q22.1.
Variant type: single nucleotide variant.
Coding change: c.980G>T on transcript NM_001198800.3 (MANE Select); coding-DNA position 980, G replaced by T.
Protein change: p.Gly327Val; replaces glycine 327 with valine.
Molecular consequence: missense variant. On other transcripts: 3 prime UTR variant (20), non-coding transcript variant (1).
Genome position (GRCh38, 1-based): chr10:72,097,428, C>A on the plus strand (G>T on the coding strand, the complement: ASCC1 is on the minus strand). VCF-style: chr10-72097428-C-A. GRCh37 (hg19) VCF-style: chr10-73857186-C-A.
Other names: c.980G>T (NM_001198800.1); c.863G>T, p.Gly288Val (NM_001369105.1, NM_001369106.1, NM_001369107.1); c.860G>T, p.Gly287Val (NM_001369108.1, NM_001369109.1); c.*15G>T (NM_001369110.1, NM_001369111.1, NM_001369112.1 and 11 more transcripts); c.980G>T, p.Gly327Val (NM_001198798.2, NM_001369093.1, NM_001369094.1 and 1 more transcripts); c.*58G>T (NM_001198799.3, NM_001369085.1, NM_001369087.1 and 3 more transcripts); c.926G>T, p.Gly309Val (NM_001369099.1); short protein forms G288V, G309V, G327V, G287V.
Identifiers: ClinVar variation 1377785 (VCV001377785.6), dbSNP rs200099755, ClinGen allele CA5548830.

ClinVar aggregate classification (germline): Uncertain significance. Review status: criteria provided, multiple submitters, no conflicts (2 of 4 stars). 2 submissions from 2 submitters: Uncertain significance (2). Last evaluated 2024-11-21.

Conditions:
Inborn genetic diseases. Identifiers: MedGen C0950123, MeSH D030342.

Allele frequency attached by ClinVar (database versions not stated): ESP Exome Variant Server 0.00015; ExAC 0.00017; gnomAD 0.00019 and 0.00020; 1000 Genomes Project 0.00020; gnomAD exomes 0.00021 and 0.00040; 1000 Genomes Project 30x 0.00031; TOPMed 0.00047.
gnomAD v4.1: 602 of 1,612,352 alleles (0.037%); highest among the groups gnomAD compares: Non-Finnish European, 0.048%; 1 homozygote.

Submissions (4):

Ambry Genetics
Classification: Uncertain significance for Inborn genetic diseases. Last evaluated: 2024-11-21. Review status: criteria provided, single submitter. Criteria: Ambry Variant Classification Scheme 2023. Collection method: clinical testing. Allele origin: germline.

Labcorp Genetics (formerly Invitae), Labcorp
Classification: Uncertain significance. Last evaluated: 2022-08-22. Review status: criteria provided, single submitter. Criteria: Invitae Variant Classification Sherloc (09022015). Collection method: clinical testing. Allele origin: germline.
Comment: This sequence change replaces glycine, which is neutral and non-polar, with valine, which is neutral and non-polar, at codon 327 of the ASCC1 protein (p.Gly327Val). This variant is present in population databases (rs200099755, gnomAD 0.04%). This variant has not been reported in the literature in individuals affected with ASCC1-related conditions. ClinVar contains an entry for this variant (Variation ID: 1377785). Algorithms developed to predict the effect of missense changes on protein structure and function are either unavailable or do not agree on the potential impact of this missense change (SIFT: "Deleterious"; PolyPhen-2: "Probably Damaging"; Align-GVGD: "Class C0"). In summary, the available evidence is currently insufficient to determine the role of this variant in disease. Therefore, it has been classified as a Variant of Uncertain Significance.

Dr. Peter K. Rogan Lab, Western University
No classification provided (evidence only). Condition: Thyroid cancer, nonmedullary, 1. Review status: no classification provided. Collection method: in vitro. Allele origin: not applicable. Functional consequence: retained intron. Not counted in ClinVar's aggregate classification.

Dr. Peter K. Rogan Lab, Western University
No classification provided (evidence only). Condition: Ovarian serous cystadenocarcinoma. Review status: no classification provided. Collection method: in vitro. Allele origin: not applicable. Functional consequence: retained intron. Not counted in ClinVar's aggregate classification.